The following is an entry in ClinVar:

ClinVar aggregate classification (germline): Conflicting classifications of pathogenicity. Review status: criteria provided, conflicting classifications (1 of 4 stars). 15 submissions from 15 submitters: Pathogenic (4); Likely pathogenic (9); Uncertain significance (1). 1 of the submissions does not count toward it. Last evaluated 2026-08-19.

Conditions:
ATP7B-related disorder. Also called: ATP7B-related condition.
Wilson disease (WND). Also called: Wilson's disease. Identifiers: Orphanet 905, MedGen C0019202, MONDO:0010200, OMIM 277900. Disease mechanism: loss of function.

Allele frequency attached by ClinVar (database versions not stated): ExAC 0.00002; gnomAD exomes 0.00004; gnomAD 0.00009; TOPMed 0.00014.
gnomAD v4.1: 97 of 1,614,056 alleles (0.006%); highest among the groups gnomAD compares: African/African-American, 0.025%; no homozygotes.

Submissions 1 to 6 of 15:

GeneDx
Classification: Likely pathogenic. Last evaluated: 2026-08-19. Review status: criteria provided, single submitter. Criteria: GeneDx Variant Classification Process June 2021. Collection method: clinical testing. Allele origin: germline.
Comment: In silico analysis supports that this missense variant has a deleterious effect on protein structure/function; This variant is associated with the following publications: (PMID: 30655162, 27706781, 27022412, 22692182, 35193651, 16088907, 37020998, 39502306, 33640437, 34470610, 40661833, 39719440, 41547924, 38847512, 42288740, Jiang2025[casereport], 20333758, 41927590, Gui2025[Article], 35220961)

Labcorp Genetics (formerly Invitae), Labcorp
Classification: Pathogenic for Wilson disease. Last evaluated: 2026-01-21. Review status: criteria provided, single submitter. Criteria: Invitae Variant Classification Sherloc (09022015). Collection method: clinical testing. Allele origin: germline.
Comment: This sequence change replaces glycine, which is neutral and non-polar, with serine, which is neutral and polar, at codon 1287 of the ATP7B protein (p.Gly1287Ser). The frequency data for this variant in the population databases is considered unreliable, as metrics indicate poor data quality at this position in the gnomAD database. This missense change has been observed in individual(s) with clinical features of ATP7B-related conditions (PMID: 16088907, 27022412, 27706781, 33640437, 34470610, 35193651, 37020998; internal data). In at least one individual the data is consistent with being in trans (on the opposite chromosome) from a pathogenic variant. ClinVar contains an entry for this variant (Variation ID: 881762). Invitae Evidence Modeling of protein sequence and biophysical properties (such as structural, functional, and spatial information, amino acid conservation, physicochemical variation, residue mobility, and thermodynamic stability) indicates that this missense variant is expected to disrupt ATP7B protein function with a positive predictive value of 80%. Experimental studies have shown that this missense change affects ATP7B function (PMID: 20333758). For these reasons, this variant has been classified as Pathogenic.

Natera, Inc.
Classification: Likely pathogenic for Wilson disease. Last evaluated: 2025-11-04. Review status: criteria provided, single submitter. Criteria: Natera Variant Classification Schema (03/2026). Collection method: clinical testing. Allele origin: germline.
Comment: The c.3859G>A variant in ATP7B is a missense variant predicted to cause substitution of glycine to serine at amino acid 1287. This variant is rare in the general population with a frequency below the threshold expected for the associated phenotype(s). This variant has been observed in one or more individuals affected with the associated recessive disease, as either homozygous or compound heterozygous with a second variant (PMID: 35193651, 33640437, 35220961, 37020998, 39719440). This variant has been found together with another disease-causing variant in the same copy of the gene (PMID: 38847512). Computational prediction algorithms indicate this variant is likely to affect gene or protein function. Given the available evidence, this variant is classified as Likely Pathogenic.

ARUP Laboratories, Molecular Genetics and Genomics, ARUP Laboratories
Classification: Likely pathogenic for Wilson disease. Last evaluated: 2025-07-09. Review status: criteria provided, single submitter. Criteria: ARUP Molecular Germline Variant Investigation Process 2024. Collection method: clinical testing. Allele origin: germline.
Comment: The ATP7B c.3859G>A; p.Gly1287Ser variant (rs762866453, ClinVar Variation ID: 881762) is reported in the literature in multiple individuals affected with Wilson disease (Chen 2019, Cox 2005, Dong 2016, Huang 2022, Luoma 2010, Wang 2023, Zhang 2016, Zhang 2022). Functional analyses of the variant protein in yeast show an intermediate deficiency in iron-limiting conditions (Luoma 2010). This variant is found in the general population with an overall allele frequency of 0.004% (10/280,930 alleles) in the Genome Aggregation Database (v2.1.1). Computational analyses predict that this variant is deleterious (REVEL: 0.898). Based on available information, this variant is considered to be likely pathogenic. References: Chen YC et al. Contribution of intragenic deletions to mutation spectrum in Chinese patients with Wilson's disease and possible mechanism underlying ATP7B gross deletions. Parkinsonism Relat Disord. 2019 May;62:128-133. PMID: 30655162. Cox DW et al. Twenty-four novel mutations in Wilson disease patients of predominantly European ancestry. Hum Mutat. 2005 Sep;26(3):280. PMID: 16088907. Dong Y et al. Spectrum and Classification of ATP7B Variants in a Large Cohort of Chinese Patients with Wilson's Disease Guides Genetic Diagnosis. Theranostics. 2016 Mar 3;6(5):638-49. PMID: 27022412. Huang X et al. Application of a next-generation sequencing (NGS) panel in newborn screening efficiently identifies inborn disorders of neonates. Orphanet J Rare Dis. 2022 Feb 21;17(1):66. PMID: 35193651. Luoma LM et al. Functional analysis of mutations in the ATP loop of the Wilson disease copper transporter, ATP7B. Hum Mutat. 2010 May;31(5):569-77. PMID: 20333758. Wang Y et al. Clinical and genetic characterization of pediatric patients with Wilson's disease from Yunnan province where ethnic minorities gather. Front Genet. 2023 Mar 20;14:1142968. PMID: 37020998. Zhang DF et al. Direct sequencing of mutations in the copper-transporting P-type adenosine triphosphate (ATP7B) gene for diagnosis and pathogenesis of Wilson's disease. Genet Mol Res. 2016 Sep 23;15(3). PMID: 27706781. Zhang S et al. Clinical and genetic characterization of a large cohort of patients with Wilson's disease in China. Transl Neurodegener. 2022 Feb 28;11(1):13. PMID: 35220961.

Variantyx, Inc.
Classification: Likely pathogenic for Wilson disease. Last evaluated: 2025-06-17. Review status: criteria provided, single submitter. Criteria: Variantyx Assertion Criteria 2022. Collection method: clinical testing. Allele origin: germline. Inheritance: Autosomal recessive inheritance. Affected: no.
Comment: This is a nonsynonymous variant in the ATP7B gene (OMIM: 606882). Pathogenic variants in this gene have been associated with autosomal recessive Wilson disease. This variant has been reported in the homozygous or compound heterozygous state in at least two unrelated affected individuals (PMID: 35193651, 37020998) (PM3). Functional studies have shown that this variant alters ATP7B protein function (PMID: 20333758) (PS3) and multiple computational algorithms predict a deleterious effect for this variant (REVEL score: 0.898) (PP3). This variant has a 0.0254% maximum allele frequency in non-founder control populations (PM2). Based on the current evidence, this variant is classified as likely pathogenic for autosomal recessive Wilson disease.

Color Diagnostics, LLC DBA Color Health
Classification: Likely pathogenic for Wilson disease. Last evaluated: 2025-06-09. Review status: criteria provided, single submitter. Criteria: ACMG Guidelines, 2015. Collection method: clinical testing. Allele origin: germline.
Comment: This missense variant replaces glycine with serine at codon 1287 of the ATP7B protein. This variant is located in the functionally important phosphorylation domain (a.a. 1004 - 1031a.a. 1197 - 1306), a highly conserved region that is considered to be important for ATP7B protein function (PMID: 35245129). Computational prediction suggests that this variant may have deleterious impact on protein structure and function. A functional study in yeast has shown that the variant results in the absence of detectable ATP7B protein and inability for the yeast cells to grow in iron-limited conditions (PMID: 20333758). This variant has been reported in individuals affected with Wilson disease (PMID: 16088907, 20333758, 27022412, 27706781, 31172689, 33640437, 34470610, 35193651), including in compound heterozygous (PMID: 33640437) and homozygous (PMID: 35193651) individuals. This variant has been identified in 10/280930 chromosomes in the general population by the Genome Aggregation Database (gnomAD). Based on the available evidence, this variant is classified as Likely Pathogenic.

NM_000053.4(ATP7B):c.3859G>A (p.Gly1287Ser)

Gene: ATP7B (ATPase copper transporting beta; minus strand). Cytogenetic location: 13q14.3.
Variant type: single nucleotide variant.
Coding change: c.3859G>A on transcript NM_000053.4 (MANE Select); coding-DNA position 3859, G replaced by A.
Protein change: p.Gly1287Ser; replaces glycine 1287 with serine.
Molecular consequence: missense variant.
Genome position (GRCh38, 1-based): chr13:51,937,520, C>T on the plus strand (G>A on the coding strand, the complement: ATP7B is on the minus strand). VCF-style: chr13-51937520-C-T. GRCh37 (hg19) VCF-style: chr13-52511656-C-T.
Other names: p.Gly1287Ser; c.3238G>A, p.Gly1080Ser (NM_001005918.3); c.3526G>A, p.Gly1176Ser (NM_001243182.2); c.3625G>A, p.Gly1209Ser (NM_001330578.2); c.3607G>A, p.Gly1203Ser (NM_001330579.2); short protein forms G1080S, G1209S, G1176S, G1287S, G1203S.
Identifiers: ClinVar variation 881762 (VCV000881762.41), dbSNP rs762866453, ClinGen allele CA6988556.
Genomic context (GRCh38, chr13:51,937,520, plus strand): 5'-CTGCAGCCACGCTCACTCTGATAAGGACGACGTCGGCTGCCTCGATGGCCACATCCGTGC[C>T]GGTGCCAATGGCCACACCCATGTCTGCCTGGGCCAAGGCCGGGGAGTCATTGACCCCATC-3'
Protein context (NP_000044.2, residues 1277-1297): QADMGVAIGT[Gly1287Ser]TDVAIEAADV